The following is an entry in ClinVar:

ClinVar aggregate classification (germline): Likely pathogenic (1 of 4 stars; one submission).

Submission:

Labcorp Genetics (formerly Invitae), Labcorp
Classification: Likely pathogenic. Last evaluated: 2024-12-04. Review status: criteria provided, single submitter. Criteria: Invitae Variant Classification Sherloc (09022015). Collection method: clinical testing. Allele origin: germline.
Comment: This variant results in the deletion of part of exon 7 (c.2023_2023+3del) of the LEMD3 gene. It is expected to disrupt RNA splicing. Variants that disrupt the donor or acceptor splice site typically lead to a loss of protein function (PMID: 16199547), and loss-of-function variants in LEMD3 are known to be pathogenic (PMID: 15489854, 19438932). This variant is not present in population databases (gnomAD no frequency). This variant has not been reported in the literature in individuals affected with LEMD3-related conditions. Algorithms developed to predict the effect of sequence changes on RNA splicing suggest that this variant may disrupt the consensus splice site. In summary, the currently available evidence indicates that the variant is pathogenic, but additional data are needed to prove that conclusively. Therefore, this variant has been classified as Likely Pathogenic.

Literature cited by the submitters: PubMed 16199547; PubMed 15489854; PubMed 19438932.

NM_014319.5(LEMD3):c.2023_2023+3del

Gene: LEMD3 (LEM domain containing 3; plus strand). Cytogenetic location: 12q14.3.
Variant type: Deletion.
Coding change: c.2023_2023+3del on transcript NM_014319.5 (MANE Select); coding-DNA position 2023 through 3 bases into the intron after coding-DNA position 2023, 4 bases deleted (GGTA; older notation c.2023_2023+3delGGTA).
Molecular consequence: splice donor variant.
Genome position (GRCh38, 1-based): chr12:65,240,030-65,240,033, GGTA deleted; deleting any 4 consecutive bases within chr12:65,240,028-65,240,033 gives the same sequence; the c. name uses the placement nearest the transcript's 3' end. VCF-style (leftmost placement, unchanged base first): chr12-65240027-ATAGG-A. GRCh37 (hg19) VCF-style: chr12-65633807-ATAGG-A.
Other names: c.2020_2020+3del (NM_001167614.2).
Identifiers: ClinVar variation 3690538 (VCV003690538.2).